The following is an entry in ClinVar:

NM_006445.4(PRPF8):c.87_98dup (p.Lys33_Ala34insLeuGlnGluLys)

Gene: PRPF8 (pre-mRNA processing factor 8; minus strand). Cytogenetic location: 17p13.3.
Variant type: Duplication.
Coding change: c.87_98dup on transcript NM_006445.4 (MANE Select); coding-DNA positions 87 to 98, 12 bases duplicated (GCTGCAGGAGAA).
Protein change: p.Lys33_Ala34insLeuGlnGluLys.
Molecular consequence: inframe insertion.
Genome position (GRCh38, 1-based): chr17:1,684,474-1,684,485, TTCTCCTGCAGC duplicated on the plus strand (GCTGCAGGAGAA on the coding strand, the reverse complement: PRPF8 is on the minus strand); duplicating any 12 consecutive bases within chr17:1,684,474-1,684,492 gives the same sequence; the c. name uses the placement nearest the transcript's 3' end. VCF-style (leftmost placement, unchanged base first): chr17-1684473-T-TTTCTCCTGCAGC. GRCh37 (hg19) VCF-style: chr17-1587767-T-TTTCTCCTGCAGC.
Identifiers: ClinVar variation 2002885 (VCV002002885.4), dbSNP rs2543790473, ClinGen allele CA2580092432.
Genomic context (GRCh38, chr17:1,684,473, plus strand): 5'-GCGCGCGCGCACACCCGCCCCGCCTCCGGCCCGCGCGCCGCTCCACACTCTCGCCTCACC[T>TTTCTCCTGCAGC]TTCTCCTGCAGCTTCTCCTCCGACATGTAGTCCGGTAGCGGGGCTAGAGGGCCAGGCACC-3'

ClinVar aggregate classification (germline): Uncertain significance (1 of 4 stars; one submission).

Submission:

Labcorp Genetics (formerly Invitae), Labcorp
Classification: Uncertain significance. Last evaluated: 2022-06-08. Review status: criteria provided, single submitter. Criteria: Invitae Variant Classification Sherloc (09022015). Collection method: clinical testing. Allele origin: germline.
Comment: In summary, the available evidence is currently insufficient to determine the role of this variant in disease. Therefore, it has been classified as a Variant of Uncertain Significance. This variant has not been reported in the literature in individuals affected with PRPF8-related conditions. This variant is not present in population databases (gnomAD no frequency). This variant, c.87_98dup, results in the insertion of 4 amino acid(s) of the PRPF8 protein (p.Leu30_Lys33dup), but otherwise preserves the integrity of the reading frame.